The following is an entry in ClinVar:

ClinVar aggregate classification (germline): Uncertain significance (1 of 4 stars; one submission).

Conditions:
TRIO-related disorder. Also called: TRIO-related condition; TRIO-related disorders.

Allele frequency attached by ClinVar (database versions not stated): gnomAD exomes below 0.00001; TOPMed below 0.00001.
gnomAD v4.1: 1 of 1,614,038 alleles (0.000062%); highest among the groups gnomAD compares: Admixed American, 0.0017%; no homozygotes.

Submission:

PreventionGenetics, part of Exact Sciences
Classification: Uncertain significance for TRIO-related condition. Last evaluated: 2023-09-20. Review status: criteria provided, single submitter. Criteria: ACMG Guidelines, 2015. Collection method: clinical testing. Allele origin: germline.
Comment: The TRIO c.2214C>T variant is not predicted to result in an amino acid change (p.=). This variant occurs within the last codon of exon 12 and splicing prediction programs predict a possible impact on splicing at the consensus donor site (SpliceAI, Jaganathan K, et al. 2019. PubMed ID: 30661751). To our knowledge, this variant has not been reported in the literature or in a large population database, indicating this variant is rare. At this time, the clinical significance of this variant is uncertain due to the absence of conclusive functional and genetic evidence.

NM_007118.4(TRIO):c.2214C>T (p.Leu738=)

Gene: TRIO (trio Rho guanine nucleotide exchange factor; plus strand). Cytogenetic location: 5p15.2.
Variant type: single nucleotide variant.
Coding change: c.2214C>T on transcript NM_007118.4 (MANE Select); coding-DNA position 2214, C replaced by T.
Protein change: p.Leu738=; no amino-acid change (leucine 738 retained).
Molecular consequence: synonymous variant. On other transcripts: non-coding transcript variant (1).
Genome position (GRCh38, 1-based): chr5:14,358,345, C>T. VCF-style: chr5-14358345-C-T. GRCh37 (hg19) VCF-style: chr5-14358454-C-T.
Identifiers: ClinVar variation 2633682 (VCV002633682.1), dbSNP rs1743826407, ClinGen allele CA443276863.